The following is an entry in ClinVar:

NM_198904.4(GABRG2):c.1001C>T (p.Ala334Val)

Gene: GABRG2 (gamma-aminobutyric acid type A receptor subunit gamma2; plus strand). Cytogenetic location: 5q34.
Variant type: single nucleotide variant.
Coding change: c.1001C>T on transcript NM_198904.4 (MANE Select); coding-DNA position 1001, C replaced by T.
Protein change: p.Ala334Val; replaces alanine 334 with valine.
Molecular consequence: missense variant. On other transcripts: intron variant (1).
Genome position (GRCh38, 1-based): chr5:162,149,186, C>T. VCF-style: chr5-162149186-C-T. GRCh37 (hg19) VCF-style: chr5-161576192-C-T.
Other names: c.1001C>T, p.Ala334Val (NM_000816.3); c.992C>T, p.Ala331Val (NM_001375339.1); c.998C>T, p.Ala333Val (NM_001375341.1, NM_001375342.1); c.1121C>T, p.Ala374Val (NM_001375343.1, NM_198903.2); c.1040C>T, p.Ala347Val (NM_001375344.1); c.935C>T, p.Ala312Val (NM_001375345.1, NM_001375346.1); c.914C>T, p.Ala305Val (NM_001375347.1); c.581C>T, p.Ala194Val (NM_001375348.1, NM_001375350.1); and 2 more; short protein forms A334V, A194V, A305V, A331V, A333V, A347V, A239V, A312V.
Identifiers: ClinVar variation 962761 (VCV000962761.10), dbSNP rs1415043929, ClinGen allele CA362182456.

ClinVar aggregate classification (germline): Likely pathogenic (1 of 4 stars; one submission).

Conditions:
EPILEPSY, CHILDHOOD ABSENCE, SUSCEPTIBILITY TO, 2 (ECA2). Identifiers: Orphanet 64280, MedGen C1843244, OMIM 607681.
Febrile seizures, familial, 8 (FEB8). Also called: CONVULSIONS, FAMILIAL FEBRILE, 8. Identifiers: Orphanet 36387, MedGen C1969810, MONDO:0011891, OMIM 607681.

gnomAD v4.1: 2 of 1,614,136 alleles (0.00012%); highest among the groups gnomAD compares: Non-Finnish European, 0.000085%; no homozygotes.

Submission:

Labcorp Genetics (formerly Invitae), Labcorp
Classification: Likely pathogenic for Febrile seizures, familial, 8; EPILEPSY, CHILDHOOD ABSENCE, SUSCEPTIBILITY TO, 2. Last evaluated: 2024-10-30. Review status: criteria provided, single submitter. Criteria: Invitae Variant Classification Sherloc (09022015). Collection method: clinical testing. Allele origin: germline.
Comment: This sequence change replaces alanine, which is neutral and non-polar, with valine, which is neutral and non-polar, at codon 334 of the GABRG2 protein (p.Ala334Val). This variant is present in population databases (no rsID available, gnomAD 0.03%). This variant has not been reported in the literature in individuals affected with GABRG2-related conditions. ClinVar contains an entry for this variant (Variation ID: 962761). Invitae Evidence Modeling of protein sequence and biophysical properties (such as structural, functional, and spatial information, amino acid conservation, physicochemical variation, residue mobility, and thermodynamic stability) indicates that this missense variant is expected to disrupt GABRG2 protein function with a positive predictive value of 95%. This variant disrupts the p.Ala334 amino acid residue in GABRG2. Other variant(s) that disrupt this residue have been determined to be pathogenic (PMID: 36403551; internal data). This suggests that this residue is clinically significant, and that variants that disrupt this residue are likely to be disease-causing. In summary, the currently available evidence indicates that the variant is pathogenic, but additional data are needed to prove that conclusively. Therefore, this variant has been classified as Likely Pathogenic.

Literature cited by the submitters: PubMed 36403551.